The following is an entry in ClinVar:

NM_000512.5(GALNS):c.680del (p.Phe227fs)

Gene: GALNS (galactosamine (N-acetyl)-6-sulfatase; minus strand). Cytogenetic location: 16q24.3.
Variant type: Deletion.
Coding change: c.680del on transcript NM_000512.5 (MANE Select); coding-DNA position 680, one base deleted (T; older notation c.680delT).
Protein change: p.Phe227fs; shifts the reading frame from phenylalanine 227.
Molecular consequence: frameshift variant.
Genome position (GRCh38, 1-based): chr16:88,835,803, A deleted on the plus strand (T on the coding strand, the reverse complement: GALNS is on the minus strand); the first of 5 consecutive A bases (chr16:88,835,803-88,835,807); deleting any one gives the same sequence. VCF-style (leftmost placement, unchanged base first): chr16-88835802-GA-G. GRCh37 (hg19) VCF-style: chr16-88902210-GA-G.
Other names: c.125del, p.Phe42fs (NM_001323543.2); c.698del, p.Phe233fs (NM_001323544.2); short protein forms F227fs, F233fs, F42fs.
Identifiers: ClinVar variation 1048473 (VCV001048473.4), dbSNP rs2143001415, ClinGen allele CA915940976.
Genomic context (GRCh38, chr16:88,835,802, plus strand): 5'-GCCCAAGAAGGGTTTGGAGGCATAGACGGGTGCGTGCGTGGCGTCGACAGCCCAGTAGAG[GA>G]AAAAGGGGTGGTGCCGTGCCTGTCTCTTAATGAAGTCCAGGGCTTCCTATGGAGAGAGCC-3'

ClinVar aggregate classification (germline): Likely pathogenic. Review status: criteria provided, single submitter (1 of 4 stars). 2 submissions from 2 submitters: Likely pathogenic (1). 1 of the submissions does not count toward it. Last evaluated 2021-02-01.

Conditions:
Mucopolysaccharidosis, MPS-IV-A (MPS4A). Also called: Mucopolysaccharidosis type IV A; Mucopolysaccharidosis Type IVA; Morquio syndrome A, mild; MORQUIO SYNDROME A; MPS IVA; mucopolysaccharidosis type 4A. Identifiers: Orphanet 309297, Orphanet 582, MedGen C0086651, MONDO:0009659, OMIM 253000.

Submissions (2):

Laboratory of Diagnosis and Therapy of Lysosomal Disorders, University of Padova
Classification: Likely pathogenic for Mucopolysaccharidosis, MPS-IV-A. Last evaluated: 2021-02-01. Review status: criteria provided, single submitter. Criteria: ACMG Guidelines, 2015. Collection method: curation. Allele origin: germline. Affected: yes.
Comment: Frameshift variant (PVS1_very strong); very low frequency in gnomAD v2.1.1 (PM2_moderate)

Dr.Nikuei Genetic Center
Classification: Pathogenic for Mucopolysaccharidosis, MPS-IV-A. Review status: no assertion criteria provided. Collection method: clinical testing. Allele origin: germline. Affected: yes. Not counted in ClinVar's aggregate classification.

Literature cited by the submitters: PubMed 29275451 (cited by Laboratory of Diagnosis and Therapy of Lysosomal Disorders, University of Padova); PubMed 30927141 (cited by Laboratory of Diagnosis and Therapy of Lysosomal Disorders, University of Padova); PubMed 34387910 (cited by Laboratory of Diagnosis and Therapy of Lysosomal Disorders, University of Padova).